The following is an entry in ClinVar:

ClinVar aggregate classification (germline): Uncertain significance. Review status: criteria provided, multiple submitters, no conflicts (2 of 4 stars). 8 submissions from 8 submitters: Uncertain significance (8). Last evaluated 2026-02-03.

Conditions:
TNXB-related disorder. Also called: TNXB-related condition.
Ehlers-Danlos syndrome due to tenascin-X deficiency (EDSCLL1). Also called: EHLERS-DANLOS SYNDROME, CLASSIC-LIKE; Ehlers-Danlos syndrome, classic-like, 1; TNXB-Related Classical-Like Ehlers-Danlos Syndrome; TNX DEFICIENCY; EDS DUE TO TNX DEFICIENCY. Identifiers: Orphanet 230839, MedGen C1848029, MONDO:0011670, OMIM 606408.
Cardiovascular phenotype. Identifiers: MedGen CN230736.
Ehlers-Danlos syndrome (EDS). Identifiers: Orphanet 98249, MedGen C0013720, MONDO:0020066.

Allele frequency attached by ClinVar (database versions not stated): gnomAD exomes 0.00024 and 0.00050; ExAC 0.00026; gnomAD 0.00027 and 0.00029; TOPMed 0.00029; ESP Exome Variant Server 0.00041.
gnomAD v4.1: 760 of 1,611,740 alleles (0.047%); highest among the groups gnomAD compares: Non-Finnish European, 0.062%; no homozygotes.

Submissions (8):

Women's Health and Genetics/Laboratory Corporation of America, LabCorp
Classification: Uncertain significance. Last evaluated: 2026-02-03. Review status: criteria provided, single submitter. Criteria: LabCorp Variant Classification Summary - May 2015. Collection method: clinical testing. Allele origin: germline.
Comment: Variant summary: TNXB c.5084C>T (p.Thr1695Met) results in a non-conservative amino acid change in the encoded protein sequence. Algorithms developed to predict the effect of missense changes on protein structure and function are either unavailable or do not agree on the potential impact of this missense change. The variant allele was found at a frequency of 0.00024 in 247262 control chromosomes. This frequency is not significantly higher than estimated for disease-causing variants in TNXB, allowing no conclusion about variant significance. To our knowledge, no occurrence of c.5084C>T in individuals affected with TNXB-related conditions and no experimental evidence demonstrating its impact on protein function have been reported. ClinVar contains an entry for this variant (Variation ID: 392618). Based on the evidence outlined above, the variant was classified as uncertain significance.

GeneDx
Classification: Uncertain significance. Last evaluated: 2025-10-01. Review status: criteria provided, single submitter. Criteria: GeneDx Variant Classification Process June 2021. Collection method: clinical testing. Allele origin: germline. Affected: yes.
Comment: Has not been previously published as pathogenic or benign to our knowledge; In silico analysis supports that this missense variant has a deleterious effect on protein structure/function

PreventionGenetics, part of Exact Sciences
Classification: Uncertain significance for TNXB-related condition. Last evaluated: 2025-09-02. Review status: criteria provided, single submitter. Criteria: ACMG Guidelines, 2015. Collection method: clinical testing. Allele origin: germline.
Comment: The TNXB c.5084C>T variant is predicted to result in the amino acid substitution p.Thr1695Met. To our knowledge, this variant has not been reported in the literature. This variant is reported in 0.053% of alleles in individuals of European (Non-Finnish) descent in gnomAD, which is likely too common for an undocumented disease-causing variant. Although we suspect that this variant may be benign, at this time, the clinical significance of this variant is uncertain due to the absence of conclusive functional and genetic evidence.

Mayo Clinic Laboratories, Mayo Clinic
Classification: Uncertain significance. Last evaluated: 2025-04-15. Review status: criteria provided, single submitter. Criteria: ACMG Guidelines, 2015. Collection method: clinical testing. Allele origin: germline. Observed: 1 variant allele.

Ambry Genetics
Classification: Uncertain significance for Cardiovascular phenotype. Last evaluated: 2024-02-09. Review status: criteria provided, single submitter. Criteria: Ambry Variant Classification Scheme 2023. Collection method: clinical testing. Allele origin: germline.
Comment: The p.T1695M variant (also known as c.5084C>T), located in coding exon 13 of the TNXB gene, results from a C to T substitution at nucleotide position 5084. The threonine at codon 1695 is replaced by methionine, an amino acid with similar properties. This amino acid position is highly conserved in available vertebrate species. In addition, this alteration is predicted to be tolerated by in silico analysis. Based on the available evidence, the clinical significance of this alteration remains unclear.

CeGaT Center for Human Genetics Tuebingen
Classification: Uncertain significance. Last evaluated: 2024-01-01. Review status: criteria provided, single submitter. Criteria: CeGaT Center For Human Genetics Tuebingen Variant Classification Criteria Version 2. Collection method: clinical testing. Allele origin: germline. Affected: yes. Observed: 1 variant allele.

Genome Diagnostics Laboratory, The Hospital for Sick Children
Classification: Uncertain significance for Ehlers-Danlos syndrome. Last evaluated: 2019-06-01. Review status: criteria provided, single submitter. Criteria: ACMG Guidelines, 2015. Collection method: clinical testing. Allele origin: germline.

Breakthrough Genomics
Classification: Uncertain significance. Review status: criteria provided, single submitter. Criteria: ACMG Guidelines, 2015. Collection method: not provided. Allele origin: germline. Inheritance: Autosomal recessive inheritance. Affected: yes.

NM_001365276.2(TNXB):c.5084C>T (p.Thr1695Met)

Gene: TNXB (tenascin XB; minus strand). Cytogenetic location: 6p21.33.
Variant type: single nucleotide variant.
Coding change: c.5084C>T on transcript NM_001365276.2 (MANE Select); coding-DNA position 5084, C replaced by T.
Protein change: p.Thr1695Met; replaces threonine 1695 with methionine.
Molecular consequence: missense variant.
Genome position (GRCh38, 1-based): chr6:32,070,321, G>A on the plus strand (C>T on the coding strand, the complement: TNXB is on the minus strand). VCF-style: chr6-32070321-G-A. GRCh37 (hg19) VCF-style: chr6-32038098-G-A.
Other names: p.Thr1695Met; c.5084C>T, p.Thr1695Met (NM_019105.8); short protein forms T1695M.
Identifiers: ClinVar variation 392618 (VCV000392618.41), dbSNP rs201973085, ClinGen allele CA3734797.